The following is an entry in ClinVar:

NM_016599.5(MYOZ2):c.423C>T (p.Thr141=)

Gene: MYOZ2 (myozenin 2; plus strand). Cytogenetic location: 4q26.
Variant type: single nucleotide variant.
Coding change: c.423C>T on transcript NM_016599.5 (MANE Select); coding-DNA position 423, C replaced by T.
Protein change: p.Thr141=; no amino-acid change (threonine 141 retained).
Molecular consequence: synonymous variant.
Genome position (GRCh38, 1-based): chr4:119,164,257, C>T. VCF-style: chr4-119164257-C-T. GRCh37 (hg19) VCF-style: chr4-120085412-C-T.
Identifiers: ClinVar variation 417167 (VCV000417167.9), dbSNP rs148220911, ClinGen allele CA3058635.
Genomic context (GRCh38, chr4:119,164,257, plus strand): 5'-ATATTTTTCCAAAGGATATTCTGGACCACTGAAGGAAATTCCTCCTGAAAAATTCAACAC[C>T]ACAGCTGTCCCTAAGTACTATCAATCTCCCTGGGAACAAGCCATTAGCAATGATCCGGAG-3'
Protein context (NP_057683.1, residues 131-151): LKEIPPEKFN[Thr141=]TAVPKYYQSP

ClinVar aggregate classification (germline): Likely benign. Review status: criteria provided, multiple submitters, no conflicts (2 of 4 stars). 3 submissions from 3 submitters: Likely benign (3). Last evaluated 2025-12-01.

Conditions:
Cardiovascular phenotype. Identifiers: MedGen CN230736.
Hypertrophic cardiomyopathy. Also called: HYPERTROPHIC MYOCARDIOPATHY. Identifiers: Orphanet 217569, MedGen C0007194, MeSH D002312, MONDO:0005045, HP:0001639.

Allele frequency attached by ClinVar (database versions not stated): gnomAD exomes 0.00001 and 0.00002; ExAC 0.00003; gnomAD 0.00003; ESP Exome Variant Server 0.00008; TOPMed 0.00008.
gnomAD v4.1: 24 of 1,613,840 alleles (0.0015%); highest among the groups gnomAD compares: Admixed American, 0.005%; no homozygotes.

Submissions (3):

Labcorp Genetics (formerly Invitae), Labcorp
Classification: Likely benign for Hypertrophic cardiomyopathy. Last evaluated: 2025-12-01. Review status: criteria provided, single submitter. Criteria: Invitae Variant Classification Sherloc (09022015). Collection method: clinical testing. Allele origin: germline.

Ambry Genetics
Classification: Likely benign for Cardiovascular phenotype. Last evaluated: 2023-11-18. Review status: criteria provided, single submitter. Criteria: Ambry Variant Classification Scheme 2023. Collection method: clinical testing. Allele origin: germline.

GeneDx
Classification: Likely benign. Last evaluated: 2017-03-13. Review status: criteria provided, single submitter. Criteria: GeneDx Variant Classification (06012015). Collection method: clinical testing. Allele origin: germline. Affected: yes.
Comment: This variant is considered likely benign or benign based on one or more of the following criteria: it is a conservative change, it occurs at a poorly conserved position in the protein, it is predicted to be benign by multiple in silico algorithms, and/or has population frequency not consistent with disease.